The following is an entry in ClinVar:

NM_000069.3(CACNA1S):c.2064-5C>T

Gene: CACNA1S (calcium voltage-gated channel subunit alpha1 S; minus strand). Cytogenetic location: 1q32.1.
Variant type: single nucleotide variant.
Coding change: c.2064-5C>T on transcript NM_000069.3 (MANE Select); 5 bases into the intron before coding-DNA position 2064, C replaced by T.
Molecular consequence: intron variant.
Genome position (GRCh38, 1-based): chr1:201,073,647, G>A on the plus strand (C>T on the coding strand, the complement: CACNA1S is on the minus strand). VCF-style: chr1-201073647-G-A. GRCh37 (hg19) VCF-style: chr1-201042775-G-A.
Identifiers: ClinVar variation 2194295 (VCV002194295.5), dbSNP rs1233259784, ClinGen allele CA730084171.
Genomic context (GRCh38, chr1:201,073,647, plus strand): 5'-GCTCCAGCTTCTTGGCCATCGTTGACTTCTCCTCTTCTGACTTGTCTGGGAGACCCCTGA[G>A]TTAGAAAACCCAAAGTGGAAGCCAAACCAGAAAGTTCTCAGGGATCTGCTGAACCTGACA-3'

ClinVar aggregate classification (germline): Conflicting classifications of pathogenicity. Review status: criteria provided, conflicting classifications (1 of 4 stars). 2 submissions from 2 submitters: Uncertain significance (1); Likely benign (1). Last evaluated 2023-02-03.

Conditions:
Malignant hyperthermia, susceptibility to, 5 (MHS5). Also called: CACNA1S-Related Malignant Hyperthermia Susceptibility. Identifiers: Orphanet 423, MedGen C1866077, MONDO:0011163, OMIM 601887.
Hypokalemic periodic paralysis, type 1. Also called: HypoPP; Hypokalemic Periodic Paralysis Type 1 (AD). Identifiers: Orphanet 681, MedGen C3714580, MONDO:0042979, OMIM 170400.

Allele frequency attached by ClinVar (database versions not stated): gnomAD 0.00001; TOPMed 0.00001.
gnomAD v4.1: 2 of 1,612,752 alleles (0.00012%); highest among the groups gnomAD compares: African/African-American, 0.0027%; no homozygotes.

Submissions (2):

Color Diagnostics, LLC DBA Color Health
Classification: Likely benign for Malignant hyperthermia, susceptibility to, 5. Last evaluated: 2023-02-03. Review status: criteria provided, single submitter. Criteria: ACMG Guidelines, 2015. Collection method: clinical testing. Allele origin: germline.

Labcorp Genetics (formerly Invitae), Labcorp
Classification: Uncertain significance for Hypokalemic periodic paralysis, type 1; Malignant hyperthermia, susceptibility to, 5. Last evaluated: 2022-06-03. Review status: criteria provided, single submitter. Criteria: Invitae Variant Classification Sherloc (09022015). Collection method: clinical testing. Allele origin: germline.
Comment: This sequence change falls in intron 14 of the CACNA1S gene. It does not directly change the encoded amino acid sequence of the CACNA1S protein. This variant is not present in population databases (gnomAD no frequency). This variant has not been reported in the literature in individuals affected with CACNA1S-related conditions. Algorithms developed to predict the effect of sequence changes on RNA splicing suggest that this variant may disrupt the consensus splice site. In summary, the available evidence is currently insufficient to determine the role of this variant in disease. Therefore, it has been classified as a Variant of Uncertain Significance.